The following is an entry in ClinVar:

NM_001348323.3(TRIP12):c.2282A>C (p.Gln761Pro)

Gene: TRIP12 (thyroid hormone receptor interactor 12; minus strand). Cytogenetic location: 2q36.3.
Variant type: single nucleotide variant.
Coding change: c.2282A>C on transcript NM_001348323.3 (MANE Select); coding-DNA position 2282, A replaced by C.
Protein change: p.Gln761Pro; replaces glutamine 761 with proline.
Molecular consequence: missense variant.
Genome position (GRCh38, 1-based): chr2:229,808,309, T>G on the plus strand (A>C on the coding strand, the complement: TRIP12 is on the minus strand). VCF-style: chr2-229808309-T-G. GRCh37 (hg19) VCF-style: chr2-230673025-T-G.
Other names: c.2282A>C, p.Gln761Pro (NM_001284214.2, NM_001348315.2, NM_001348319.1 and 11 more transcripts); c.2156A>C, p.Gln719Pro (NM_001284215.2, NM_001348316.2, NM_001348317.1 and 2 more transcripts); c.1247A>C, p.Gln416Pro (NM_001284216.2); c.2195A>C, p.Gln732Pro (NM_001348332.1); c.2138A>C, p.Gln713Pro (NM_004238.3); short protein forms Q416P, Q713P, Q719P, Q732P, Q761P.
Identifiers: ClinVar variation 2651984 (VCV002651984.24), dbSNP rs1209011129, ClinGen allele CA350917766.

ClinVar aggregate classification (germline): Uncertain significance (1 of 4 stars; one submission).

Allele frequency attached by ClinVar (database versions not stated): TOPMed below 0.00001; gnomAD 0.00001.
gnomAD v4.1: 1 of 1,613,910 alleles (0.000062%); highest among the groups gnomAD compares: Non-Finnish European, 0.000085%; no homozygotes.

Submission:

CeGaT Center for Human Genetics Tuebingen
Classification: Uncertain significance. Last evaluated: 2023-02-01. Review status: criteria provided, single submitter. Criteria: CeGaT Center For Human Genetics Tuebingen Variant Classification Criteria Version 2. Collection method: clinical testing. Allele origin: germline. Affected: yes. Observed: 1 variant allele.
Comment: TRIP12: PP2